The following is an entry in ClinVar:

NM_170707.4(LMNA):c.729dup (p.Ala244fs)

Gene: LMNA (lamin A/C; plus strand). Cytogenetic location: 1q22.
Variant type: Duplication.
Coding change: c.729dup on transcript NM_170707.4 (MANE Select); coding-DNA position 729, one base duplicated (T; older notation c.729dupT).
Protein change: p.Ala244fs; shifts the reading frame from alanine 244.
Molecular consequence: frameshift variant.
Genome position (GRCh38, 1-based): chr1:156,134,894, T duplicated. VCF-style (leftmost placement, unchanged base first): chr1-156134893-A-AT. GRCh37 (hg19) VCF-style: chr1-156104684-A-AT.
Other names: c.729dupT (NM_170707.3); c.729dup, p.Ala244fs (NM_170708.4, NM_001282625.2, NM_001282626.2 and 1 more transcripts); c.393dup, p.Ala132fs (NM_001257374.3); c.486dup, p.Ala163fs (NM_001282624.2); short protein forms A132fs, A244fs, A163fs.
Identifiers: ClinVar variation 543223 (VCV000543223.1), dbSNP rs1553265328, ClinGen allele CA658795528.

ClinVar aggregate classification (germline): Pathogenic (1 of 4 stars; one submission).

Conditions:
Charcot-Marie-Tooth disease type 2. Also called: Charcot-Marie-Tooth type 2. Identifiers: Orphanet 64746, MedGen C0270914, MONDO:0018993.

Submission:

Labcorp Genetics (formerly Invitae), Labcorp
Classification: Pathogenic for Charcot-Marie-Tooth disease type 2. Last evaluated: 2017-09-15. Review status: criteria provided, single submitter. Criteria: Invitae Variant Classification Sherloc (09022015). Collection method: clinical testing. Allele origin: germline.
Comment: This sequence change creates a premature translational stop signal (p.Ala244Cysfs*10) in the LMNA gene. It is expected to result in an absent or disrupted protein product. This variant is not present in population databases (ExAC no frequency). This variant has not been reported in the literature in individuals with LMNA-related disease. Loss-of-function variants in LMNA are known to be pathogenic (PMID: 18585512, 18926329). For these reasons, this variant has been classified as Pathogenic.